The following is an entry in ClinVar:

NM_001267550.2(TTN):c.56347+8C>T

Genes: TTN (titin; minus strand), TTN-AS1 (TTN antisense RNA 1; plus strand). Cytogenetic location: 2q31.2.
Variant type: single nucleotide variant.
Coding change: c.56347+8C>T on transcript NM_001267550.2 (MANE Select); 8 bases into the intron after coding-DNA position 56347, C replaced by T.
Molecular consequence: intron variant.
Genome position (GRCh38, 1-based): chr2:178,599,546, G>A on the plus strand (C>T on the coding strand, the complement: TTN is on the minus strand). VCF-style: chr2-178599546-G-A. GRCh37 (hg19) VCF-style: chr2-179464273-G-A.
Other names: c.29152+8C>T (NM_003319.4); c.29728+8C>T (NM_133437.4); c.29527+8C>T (NM_133432.3); c.48643+8C>T (NM_133378.4); c.51424+8C>T (NM_001256850.1).
Identifiers: ClinVar variation 1572197 (VCV001572197.34), dbSNP rs751081259, ClinGen allele CA1993278.

ClinVar aggregate classification (germline): Likely benign. Review status: criteria provided, multiple submitters, no conflicts (2 of 4 stars). 3 submissions from 3 submitters: Likely benign (3). Last evaluated 2025-11-05.

Conditions:
Autosomal recessive limb-girdle muscular dystrophy type 2J (LGMDR10). Also called: Limb-girdle muscular dystrophy, type 2J; MUSCULAR DYSTROPHY, LIMB-GIRDLE, AUTOSOMAL RECESSIVE 10. Identifiers: Orphanet 140922, MedGen C1837342, MONDO:0012127, OMIM 608807.
Dilated cardiomyopathy 1G (CMD1G). Identifiers: Orphanet 154, MedGen C1858763, MONDO:0011400, OMIM 604145.
TTN-related disorder. Also called: TTN-related condition; TTN-related disease; TTN-related disorders.

Allele frequency attached by ClinVar (database versions not stated): gnomAD exomes below 0.00001 and 0.00001; ExAC 0.00002; gnomAD 0.00002; TOPMed 0.00002.
gnomAD v4.1: 4 of 1,550,762 alleles (0.00026%); highest among the groups gnomAD compares: African/African-American, 0.0041%; no homozygotes.

Submissions (3):

Labcorp Genetics (formerly Invitae), Labcorp
Classification: Likely benign for Dilated cardiomyopathy 1G; Autosomal recessive limb-girdle muscular dystrophy type 2J. Last evaluated: 2025-11-05. Review status: criteria provided, single submitter. Criteria: Invitae Variant Classification Sherloc (09022015). Collection method: clinical testing. Allele origin: germline.

PreventionGenetics, part of Exact Sciences
Classification: Likely benign for TTN-related condition. Last evaluated: 2025-10-20. Review status: criteria provided, single submitter. Criteria: ACMG Guidelines, 2015. Collection method: clinical testing. Allele origin: germline.
Comment: This variant is classified as likely benign based on ACMG/AMP sequence variant interpretation guidelines (Richards et al. 2015 PMID: 25741868, with internal and published modifications).

CeGaT Center for Human Genetics Tuebingen
Classification: Likely benign. Last evaluated: 2023-07-01. Review status: criteria provided, single submitter. Criteria: CeGaT Center For Human Genetics Tuebingen Variant Classification Criteria Version 2. Collection method: clinical testing. Allele origin: germline. Affected: yes. Observed: 1 variant allele.
Comment: TTN: BP4